The following is an entry in ClinVar:

ClinVar aggregate classification (germline): Conflicting classifications of pathogenicity. Review status: criteria provided, conflicting classifications (1 of 4 stars). 7 submissions from 7 submitters: Uncertain significance (6); Benign (1). Last evaluated 2026-09-01.

Conditions:
AXIN2-related disorder.
Hereditary cancer-predisposing syndrome. Also called: Neoplastic Syndromes, Hereditary; Hereditary neoplastic syndrome; Hereditary Cancer Syndrome; Tumor predisposition. Identifiers: Orphanet 140162, MedGen C0027672, MeSH D009386, MONDO:0015356.
Oligodontia-cancer predisposition syndrome. Also called: TOOTH AGENESIS-COLORECTAL CANCER SYNDROME. Identifiers: Orphanet 300576, MedGen C1837750, MONDO:0012075, OMIM 608615. Disease mechanism: loss of function.

Allele frequency attached by ClinVar (database versions not stated): gnomAD exomes 0.00001 and 0.00003; ExAC 0.00002; gnomAD 0.00007 and 0.00009; ESP Exome Variant Server 0.00008; TOPMed 0.00011.
gnomAD v4.1: 35 of 1,614,076 alleles (0.0022%); highest among the groups gnomAD compares: Admixed American, 0.0083%; no homozygotes.

Submissions (7):

PreventionGenetics, part of Exact Sciences
Classification: Uncertain significance for AXIN2-related condition. Last evaluated: 2026-09-01. Review status: criteria provided, single submitter. Criteria: ACMG Guidelines, 2015. Collection method: clinical testing. Allele origin: germline.
Comment: The AXIN2 c.2195C>T variant is predicted to result in the amino acid substitution p.Thr732Met. To our knowledge, this variant has not been reported in the literature. It is reported in 0.016% of alleles in individuals of African descent in gnomAD and has conflicting interpretations in ClinVar ranging from likely benign to uncertain (Variation ID: 234274). At this time, the clinical significance of this variant is uncertain due to the absence of conclusive functional and genetic evidence.

Labcorp Genetics (formerly Invitae), Labcorp
Classification: Uncertain significance for Oligodontia-cancer predisposition syndrome. Last evaluated: 2026-01-20. Review status: criteria provided, single submitter. Criteria: Invitae Variant Classification Sherloc (09022015). Collection method: clinical testing. Allele origin: germline.
Comment: This sequence change replaces threonine, which is neutral and polar, with methionine, which is neutral and non-polar, at codon 732 of the AXIN2 protein (p.Thr732Met). This variant is present in population databases (rs373911689, gnomAD 0.02%). This variant has not been reported in the literature in individuals affected with AXIN2-related conditions. ClinVar contains an entry for this variant (Variation ID: 234274). An algorithm developed to predict the effect of missense changes on protein structure and function (PolyPhen-2) suggests that this variant is likely to be tolerated. In summary, the available evidence is currently insufficient to determine the role of this variant in disease. Therefore, it has been classified as a Variant of Uncertain Significance.

Quest Diagnostics Nichols Institute San Juan Capistrano
Classification: Uncertain significance. Last evaluated: 2024-10-24. Review status: criteria provided, single submitter. Criteria: Quest Diagnostics criteria. Collection method: clinical testing. Allele origin: unknown.
Comment: The AXIN2 c.2195C>T (p.Thr732Met) variant has been reported in the published literature in reportedly healthy individuals (PMID: 29641532 (2018)).The frequency of this variant in the general population, 0.00016 (4/24956 chromosomes in African/African American subpopulation (Genome Aggregation Database)), is higher than would generally be expected for pathogenic variants in this gene. Analysis of this variant using bioinformatics tools for the prediction of the effect of amino acid changes on protein structure and function yielded predictions that this variant is benign. Based on the available information, we are unable to determine the clinical significance of this variant.

GeneDx
Classification: Uncertain significance. Last evaluated: 2024-04-30. Review status: criteria provided, single submitter. Criteria: GeneDx Variant Classification Process June 2021. Collection method: clinical testing. Allele origin: germline. Affected: yes.
Comment: Has not been previously published as pathogenic or benign to our knowledge; In silico analysis indicates that this missense variant does not alter protein structure/function; This variant is associated with the following publications: (PMID: 24755471)

Ambry Genetics
Classification: Benign for Hereditary cancer-predisposing syndrome. Last evaluated: 2024-04-04. Review status: criteria provided, single submitter. Criteria: Ambry Variant Classification Scheme 2023. Collection method: clinical testing. Allele origin: germline.

Sema4
Classification: Uncertain significance for Hereditary cancer-predisposing syndrome. Last evaluated: 2022-01-04. Review status: criteria provided, single submitter. Criteria: Sema4 Curation Guidelines. Collection method: curation. Allele origin: germline.
Comment: The AXIN2 c.2195C>T (p.T732M) variant has not been reported in literature to our knowledge. It was observed in 9/282754 chromosomes across the large and broad cohorts of the Genome Aggregation Database (PMID: 32461654). This variant has been reported in ClinVar (Variation ID: 234274). In silico tools suggest the impact of the variant on protein function is benign, though these predictions have not been confirmed by functional studies. The evidence is insufficient to meet ACMG/AMP criteria for classifying the variant as benign or pathogenic. Thus, the clinical significance of this variant is currently uncertain.

Illumina Laboratory Services, Illumina
Classification: Uncertain significance for Oligodontia-cancer predisposition syndrome. Last evaluated: 2018-01-13. Review status: criteria provided, single submitter. Criteria: ICSL Variant Classification Criteria 13 December 2019. Collection method: clinical testing. Allele origin: germline.

Literature cited by the submitters: PubMed 29641532 (cited by Quest Diagnostics Nichols Institute San Juan Capistrano).

NM_004655.4(AXIN2):c.2195C>T (p.Thr732Met)

Gene: AXIN2 (axin 2; minus strand). Cytogenetic location: 17q24.1.
Variant type: single nucleotide variant.
Coding change: c.2195C>T on transcript NM_004655.4 (MANE Select); coding-DNA position 2195, C replaced by T.
Protein change: p.Thr732Met; replaces threonine 732 with methionine.
Molecular consequence: missense variant.
Genome position (GRCh38, 1-based): chr17:65,535,668, G>A on the plus strand (C>T on the coding strand, the complement: AXIN2 is on the minus strand). VCF-style: chr17-65535668-G-A. GRCh37 (hg19) VCF-style: chr17-63531786-G-A.
Other names: c.2195C>T (LRG_296t1); c.2000C>T, p.Thr667Met (NM_001363813.1); short protein forms T732M, T667M.
Identifiers: ClinVar variation 234274 (VCV000234274.26), dbSNP rs373911689, ClinGen allele CA8718379.